The following is an entry in ClinVar:

NM_004453.4(ETFDH):c.1004G>C (p.Ser335Thr)

Gene: ETFDH (electron transfer flavoprotein dehydrogenase; plus strand). Cytogenetic location: 4q32.1.
Variant type: single nucleotide variant.
Coding change: c.1004G>C on transcript NM_004453.4 (MANE Select); coding-DNA position 1004, G replaced by C.
Protein change: p.Ser335Thr; replaces serine 335 with threonine.
Molecular consequence: missense variant.
Genome position (GRCh38, 1-based): chr4:158,699,018, G>C. VCF-style: chr4-158699018-G-C. GRCh37 (hg19) VCF-style: chr4-159620170-G-C.
Other names: c.863G>C, p.Ser288Thr (NM_001281737.2); c.821G>C, p.Ser274Thr (NM_001281738.1); short protein forms S288T, S335T, S274T.
Identifiers: ClinVar variation 900244 (VCV000900244.8), dbSNP rs770140708, ClinGen allele CA3122535.

ClinVar aggregate classification (germline): Uncertain significance. Review status: criteria provided, multiple submitters, no conflicts (2 of 4 stars). 3 submissions from 3 submitters: Uncertain significance (3). Last evaluated 2024-10-02.

Conditions:
Multiple acyl-CoA dehydrogenase deficiency (MADD). Also called: Glutaric aciduria, type 2; Glutaric acidemia type II; GA 2; ETHYLMALONIC-ADIPICACIDURIA; GA II; Glutaric Acidemia type 2. Identifiers: Orphanet 26791, MedGen C0268596, MONDO:0009282, OMIM 231680.

Allele frequency attached by ClinVar (database versions not stated): gnomAD 0.00001; TOPMed 0.00001; ExAC 0.00002; gnomAD exomes 0.00002 and 0.00003.
gnomAD v4.1: 19 of 1,610,816 alleles (0.0012%); highest among the groups gnomAD compares: Non-Finnish European, 0.0016%; no homozygotes.

Submissions (3):

Labcorp Genetics (formerly Invitae), Labcorp
Classification: Uncertain significance for Multiple acyl-CoA dehydrogenase deficiency. Last evaluated: 2024-10-02. Review status: criteria provided, single submitter. Criteria: Invitae Variant Classification Sherloc (09022015). Collection method: clinical testing. Allele origin: germline.
Comment: This sequence change replaces serine, which is neutral and polar, with threonine, which is neutral and polar, at codon 335 of the ETFDH protein (p.Ser335Thr). This variant is present in population databases (rs770140708, gnomAD 0.002%). This missense change has been observed in individual(s) with multiple acyl-CoA dehydrogenase deficiency (MADD) (PMID: 35309592). ClinVar contains an entry for this variant (Variation ID: 900244). Invitae Evidence Modeling of protein sequence and biophysical properties (such as structural, functional, and spatial information, amino acid conservation, physicochemical variation, residue mobility, and thermodynamic stability) indicates that this missense variant is not expected to disrupt ETFDH protein function with a negative predictive value of 80%. Algorithms developed to predict the effect of sequence changes on RNA splicing suggest that this variant may create or strengthen a splice site. In summary, the available evidence is currently insufficient to determine the role of this variant in disease. Therefore, it has been classified as a Variant of Uncertain Significance.

Fulgent Genetics
Classification: Uncertain significance for Multiple acyl-CoA dehydrogenase deficiency. Last evaluated: 2021-08-26. Review status: criteria provided, single submitter. Criteria: ACMG Guidelines, 2015. Collection method: clinical testing. Allele origin: unknown.

Illumina Laboratory Services, Illumina
Classification: Uncertain significance for Multiple acyl-CoA dehydrogenase deficiency. Last evaluated: 2018-01-12. Review status: criteria provided, single submitter. Criteria: ICSL Variant Classification Criteria 13 December 2019. Collection method: clinical testing. Allele origin: germline.

Literature cited by the submitters: PubMed 35309592 (cited by Labcorp Genetics (formerly Invitae), Labcorp).